The following is an entry in ClinVar:

ClinVar aggregate classification (germline): Benign (0 of 4 stars; one submission).

Conditions:
KALRN-related disorder. Also called: KALRN-related condition.

Allele frequency attached by ClinVar (database versions not stated): 1000 Genomes Project 30x 0.13367; 1000 Genomes Project 0.14117; TOPMed 0.15015; ESP Exome Variant Server 0.15985; gnomAD 0.16073; ExAC 0.17943; gnomAD exomes 0.20009.
gnomAD v4.1: 316,256 of 1,613,582 alleles (20%); highest among the groups gnomAD compares: Non-Finnish European, 21%; 32,383 homozygotes.

Submission:

PreventionGenetics, part of Exact Sciences
Classification: Benign for KALRN-related condition. Last evaluated: 2019-10-21. Review status: no assertion criteria provided. Collection method: clinical testing. Allele origin: germline.
Comment: This variant is classified as benign based on ACMG/AMP sequence variant interpretation guidelines (Richards et al. 2015 PMID: 25741868, with internal and published modifications).

NM_001388419.1(KALRN):c.7962C>T (p.Ser2654=)

Gene: KALRN (kalirin RhoGEF kinase; plus strand). Cytogenetic location: 3q21.2.
Variant type: single nucleotide variant.
Coding change: c.7962C>T on transcript NM_001388419.1 (MANE Select); coding-DNA position 7962, C replaced by T.
Protein change: p.Ser2654=; no amino-acid change (serine 2654 retained).
Molecular consequence: synonymous variant.
Genome position (GRCh38, 1-based): chr3:124,699,999, C>T. VCF-style: chr3-124699999-C-T. GRCh37 (hg19) VCF-style: chr3-124418846-C-T.
Other names: c.7962C>T, p.Ser2654= (NM_001024660.5); c.2868C>T, p.Ser956= (NM_001322993.2); c.2871C>T, p.Ser957= (NM_007064.5).
Identifiers: ClinVar variation 3060472 (VCV003060472.2), dbSNP rs2289427, ClinGen allele CA2581302.